The following is an entry in ClinVar:

ClinVar aggregate classification (germline): Uncertain significance (1 of 4 stars; one submission).

Allele frequency attached by ClinVar (database versions not stated): gnomAD exomes below 0.00001 and 0.00002; TOPMed 0.00001; ExAC 0.00002.
gnomAD v4.1: 4 of 1,614,018 alleles (0.00025%); highest among the groups gnomAD compares: Non-Finnish European, 0.00034%; no homozygotes.

Submission:

GeneDx
Classification: Uncertain significance. Last evaluated: 2017-01-19. Review status: criteria provided, single submitter. Criteria: GeneDx Variant Classification (06012015). Collection method: clinical testing. Allele origin: germline. Affected: yes.
Comment: The I549T variant has not been published as a pathogenic variant, nor has it been reported as a benign variant to our knowledge. The I549T variant was not observed in approximately 6500 individuals of European and African American ancestry in the NHLBI Exome Sequencing Project, indicating it is not a common benign variant in these populations. The I549T variant is a non-conservative amino acid substitution, which is likely to impact secondary protein structure as these residues differ in polarity, charge, size and/or other properties. This substitution occurs at a position that is conserved across species and in silico analysis predicts this variant is probably damaging to the protein structure/function. In summary, based on the currently available information, it is unclear whether this variant is a pathogenic variant or a rare benign variant.

NM_006796.3(AFG3L2):c.1646T>C (p.Ile549Thr)

Gene: AFG3L2 (AFG3 like matrix AAA peptidase subunit 2; minus strand). Cytogenetic location: 18p11.21.
Variant type: single nucleotide variant.
Coding change: c.1646T>C on transcript NM_006796.3 (MANE Select); coding-DNA position 1646, T replaced by C.
Protein change: p.Ile549Thr; replaces isoleucine 549 with threonine.
Molecular consequence: missense variant.
Genome position (GRCh38, 1-based): chr18:12,348,290, A>G on the plus strand (T>C on the coding strand, the complement: AFG3L2 is on the minus strand). VCF-style: chr18-12348290-A-G. GRCh37 (hg19) VCF-style: chr18-12348289-A-G.
Other names: short protein forms I549T.
Identifiers: ClinVar variation 392576 (VCV000392576.2), dbSNP rs757821473, ClinGen allele CA8896448.